The following is an entry in ClinVar:

NM_005035.4(POLRMT):c.3372C>A (p.Ile1124=)

Gene: POLRMT (RNA polymerase mitochondrial; minus strand). Cytogenetic location: 19p13.3.
Variant type: single nucleotide variant.
Coding change: c.3372C>A on transcript NM_005035.4 (MANE Select); coding-DNA position 3372, C replaced by A.
Protein change: p.Ile1124=; no amino-acid change (isoleucine 1124 retained).
Molecular consequence: synonymous variant. On other transcripts: non-coding transcript variant (1), intron variant (2).
Genome position (GRCh38, 1-based): chr19:618,538, G>T on the plus strand (C>A on the coding strand, the complement: POLRMT is on the minus strand). VCF-style: chr19-618538-G-T. GRCh37 (hg19) VCF-style: chr19-618538-G-T.
Other names: c.3372C>A, p.Ile1124= (NM_001407805.1); c.3363C>A, p.Ile1121= (NM_001407806.1, NM_001407809.1); c.3360C>A, p.Ile1120= (NM_001407807.1, NM_001407810.1); c.3381C>A, p.Ile1127= (NM_001407808.1); c.3330C>A, p.Ile1110= (NM_001407811.1, NM_001407813.1); c.3333C>A, p.Ile1111= (NM_001407812.1); c.3294C>A, p.Ile1098= (NM_001407814.1, NM_001407815.1); c.3249C>A, p.Ile1083= (NM_001407829.1); and 7 more.
Identifiers: ClinVar variation 4981683 (VCV004981683.1).

ClinVar aggregate classification (germline): Likely benign (1 of 4 stars; one submission).

Conditions:
POLRMT-related disorder. Also called: POLRMT-related condition.

gnomAD v4.1: 202 of 1,613,422 alleles (0.013%); highest among the groups gnomAD compares: African/African-American, 0.25%; 1 homozygote.

Submission:

PreventionGenetics, part of Exact Sciences
Classification: Likely benign for POLRMT-related condition. Last evaluated: 2025-06-30. Review status: criteria provided, single submitter. Criteria: ACMG Guidelines, 2015. Collection method: clinical testing. Allele origin: germline.
Comment: This variant is classified as likely benign based on ACMG/AMP sequence variant interpretation guidelines (Richards et al. 2015 PMID: 25741868, with internal and published modifications).